The following is an entry in ClinVar:

NM_002351.5(SH2D1A):c.273T>G (p.Asp91Glu)

Gene: SH2D1A (SH2 domain containing 1A; plus strand). Cytogenetic location: Xq25.
Variant type: single nucleotide variant.
Coding change: c.273T>G on transcript NM_002351.5 (MANE Select); coding-DNA position 273, T replaced by G.
Protein change: p.Asp91Glu; replaces aspartic acid 91 with glutamic acid.
Molecular consequence: missense variant.
Genome position (GRCh38, 1-based): chrX:124,370,247, T>G. VCF-style: chrX-124370247-T-G. GRCh37 (hg19) VCF-style: chrX-123504097-T-G.
Other names: c.273T>G, p.Asp91Glu (NM_001114937.3); short protein forms D91E.
Identifiers: ClinVar variation 1397679 (VCV001397679.6), dbSNP rs775759946, ClinGen allele CA414124682.

ClinVar aggregate classification (germline): Uncertain significance (1 of 4 stars; one submission).

Conditions:
X-linked lymphoproliferative disease due to SH2D1A deficiency (XLP1). Also called: PURTILO SYNDROME; DUNCAN DISEASE; IMMUNODEFICIENCY 5; IMMUNODEFICIENCY, X-LINKED PROGRESSIVE COMBINED VARIABLE; INFECTIOUS MONONUCLEOSIS, SEVERE, SUSCEPTIBILITY TO; SH2D1A-Related Lymphoproliferative Disease, X-Linked. Identifiers: Orphanet 2442, Orphanet 538931, MedGen C5399825, MONDO:0024551, OMIM 308240.

Submission:

Labcorp Genetics (formerly Invitae), Labcorp
Classification: Uncertain significance for X-linked lymphoproliferative disease due to SH2D1A deficiency. Last evaluated: 2025-06-19. Review status: criteria provided, single submitter. Criteria: Invitae Variant Classification Sherloc (09022015). Collection method: clinical testing. Allele origin: germline.
Comment: This sequence change replaces aspartic acid, which is acidic and polar, with glutamic acid, which is acidic and polar, at codon 91 of the SH2D1A protein (p.Asp91Glu). This variant is not present in population databases (gnomAD no frequency). This variant has not been reported in the literature in individuals affected with SH2D1A-related conditions. ClinVar contains an entry for this variant (Variation ID: 1397679). An algorithm developed to predict the effect of missense changes on protein structure and function (PolyPhen-2) suggests that this variant is likely to be tolerated. In summary, the available evidence is currently insufficient to determine the role of this variant in disease. Therefore, it has been classified as a Variant of Uncertain Significance.